The following is an entry in ClinVar:

ClinVar aggregate classification (germline): Likely benign. Review status: criteria provided, multiple submitters, no conflicts (2 of 4 stars). 3 submissions from 3 submitters: Likely benign (3). Last evaluated 2026-06-26.

Conditions:
Gastrointestinal stromal tumor. Also called: Gastrointestinal stroma tumor; Gastrointestinal stromal tumor, somatic. Identifiers: Orphanet 44890, MedGen C0238198, MeSH D046152, MONDO:0011719, OMIM 606764, HP:0100723.
Pheochromocytoma/paraganglioma syndrome 4. Also called: SDHB-Related Hereditary Paraganglioma-Pheochromocytoma Syndrome (Paragangliomas 4); SDHB-Related Hereditary Paraganglioma-Pheochromocytoma Syndrome; CAROTID BODY TUMORS AND MULTIPLE EXTRAADRENAL PHEOCHROMOCYTOMAS; PARAGANGLIOMA, FAMILIAL MALIGNANT; PARAGANGLIOMAS, HEREDITARY EXTRAADRENAL; PHEOCHROMOCYTOMA, FAMILIAL EXTRAADRENAL. Identifiers: Orphanet 29072, MedGen C1861848, MONDO:0007273, OMIM 115310.
Pheochromocytoma. Also called: MAX-Related Hereditary Paraganglioma-Pheochromocytoma Syndrome. Identifiers: Orphanet 29072, MedGen C0031511, MONDO:0008233, OMIM 171300, HP:0002666.
Hereditary cancer-predisposing syndrome. Also called: Neoplastic Syndromes, Hereditary; Tumor predisposition; Hereditary Cancer Syndrome; Hereditary neoplastic syndrome. Identifiers: Orphanet 140162, MedGen C0027672, MeSH D009386, MONDO:0015356.
Hereditary pheochromocytoma and paraganglioma. Also called: Hereditary Paraganglioma-Pheochromocytoma Syndromes; Hereditary pheochromocytoma-paraganglioma; Hereditary paragangliomas and pheochromocytomas. Identifiers: Orphanet 29072, MedGen C4274332, MONDO:0017366.

Submissions (3):

Ambry Genetics
Classification: Likely benign for Hereditary cancer-predisposing syndrome. Last evaluated: 2026-06-26. Review status: criteria provided, single submitter. Criteria: Ambry Variant Classification Scheme 2023. Collection method: clinical testing. Allele origin: germline.

All of Us Research Program, National Institutes of Health
Classification: Likely benign for Hereditary pheochromocytoma and paraganglioma. Last evaluated: 2023-05-16. Review status: criteria provided, single submitter. Criteria: ACMG Guidelines, 2015. Collection method: clinical testing. Allele origin: germline. Inheritance: Autosomal dominant inheritance. Observed: 1 variant allele, 1 heterozygote.
Comment: This study involves interpretation of variants in research participants for the purpose of population health screening. Participant phenotype was not available at the time of variant classification. Additional details can be found in publication PMID: 35346344, PMCID: PMC8962531

Labcorp Genetics (formerly Invitae), Labcorp
Classification: Likely benign for Gastrointestinal stromal tumor; Pheochromocytoma/paraganglioma syndrome 4; Pheochromocytoma. Last evaluated: 2020-02-05. Review status: criteria provided, single submitter. Criteria: Invitae Variant Classification Sherloc (09022015). Collection method: clinical testing. Allele origin: germline.

NM_003000.3(SDHB):c.351T>A (p.Ile117=)

Gene: SDHB (succinate dehydrogenase complex iron sulfur subunit B; minus strand). Cytogenetic location: 1p36.13.
Variant type: single nucleotide variant.
Coding change: c.351T>A on transcript NM_003000.3 (MANE Select); coding-DNA position 351, T replaced by A.
Protein change: p.Ile117=; no amino-acid change (isoleucine 117 retained).
Molecular consequence: synonymous variant.
Genome position (GRCh38, 1-based): chr1:17,028,672, A>T on the plus strand (T>A on the coding strand, the complement: SDHB is on the minus strand). VCF-style: chr1-17028672-A-T. GRCh37 (hg19) VCF-style: chr1-17355167-A-T.
Other names: c.351T>A (NM_003000.2).
Identifiers: ClinVar variation 1109722 (VCV001109722.9), dbSNP rs2101523192, ClinGen allele CA416087849.